The following is an entry in ClinVar:

ClinVar aggregate classification (germline): Uncertain significance (1 of 4 stars; one submission).

Allele frequency attached by ClinVar (database versions not stated): gnomAD 0.00001.
gnomAD v4.1: 2 of 1,610,698 alleles (0.00012%); highest among the groups gnomAD compares: East Asian, 0.0022%; no homozygotes.

Submission:

Labcorp Genetics (formerly Invitae), Labcorp
Classification: Uncertain significance. Last evaluated: 2022-09-19. Review status: criteria provided, single submitter. Criteria: Invitae Variant Classification Sherloc (09022015). Collection method: clinical testing. Allele origin: germline.
Comment: This sequence change replaces isoleucine, which is neutral and non-polar, with valine, which is neutral and non-polar, at codon 213 of the SCO1 protein (p.Ile213Val). This variant is present in population databases (no rsID available, gnomAD 0.06%). This variant has not been reported in the literature in individuals affected with SCO1-related conditions. Advanced modeling of protein sequence and biophysical properties (such as structural, functional, and spatial information, amino acid conservation, physicochemical variation, residue mobility, and thermodynamic stability) performed at Invitae indicates that this missense variant is not expected to disrupt SCO1 protein function. In summary, the available evidence is currently insufficient to determine the role of this variant in disease. Therefore, it has been classified as a Variant of Uncertain Significance.

NM_004589.4(SCO1):c.637A>G (p.Ile213Val)

Gene: SCO1 (synthesis of cytochrome C oxidase 1; minus strand). Cytogenetic location: 17p13.1.
Variant type: single nucleotide variant.
Coding change: c.637A>G on transcript NM_004589.4 (MANE Select); coding-DNA position 637, A replaced by G.
Protein change: p.Ile213Val; replaces isoleucine 213 with valine.
Molecular consequence: missense variant.
Genome position (GRCh38, 1-based): chr17:10,691,890, T>C on the plus strand (A>G on the coding strand, the complement: SCO1 is on the minus strand). VCF-style: chr17-10691890-T-C. GRCh37 (hg19) VCF-style: chr17-10595207-T-C.
Other names: short protein forms I213V.
Identifiers: ClinVar variation 1954028 (VCV001954028.5), dbSNP rs1296165030, ClinGen allele CA398130850.
Genomic context (GRCh38, chr17:10,691,890, plus strand): 5'-CTTTAAGGCTAAATAAATGTAAAGTATTATTTAAAAAAATACCTTTCACATAATTTGCGA[T>C]GGCTTCTTTTGTGTCCCTCTCTGGGTCAATGCTGATGAAAAGTGGAGTTAGATCTGGCAG-3'
Protein context (NP_004580.1, residues 203-223): IDPERDTKEA[Ile213Val]ANYVKEFSPK